The following is an entry in ClinVar:

ClinVar aggregate classification (germline): Uncertain significance. Review status: criteria provided, multiple submitters, no conflicts (2 of 4 stars). 2 submissions from 2 submitters: Uncertain significance (2). Last evaluated 2025-11-24.

Conditions:
Inborn genetic diseases. Identifiers: MedGen C0950123, MeSH D030342.

Allele frequency attached by ClinVar (database versions not stated): gnomAD 0.00003; gnomAD exomes 0.00004; TOPMed 0.00005; ExAC 0.00008.
gnomAD v4.1: 31 of 1,613,336 alleles (0.0019%); highest among the groups gnomAD compares: Admixed American, 0.05%; no homozygotes.

Submissions (2):

Labcorp Genetics (formerly Invitae), Labcorp
Classification: Uncertain significance. Last evaluated: 2025-11-24. Review status: criteria provided, single submitter. Criteria: Invitae Variant Classification Sherloc (09022015). Collection method: clinical testing. Allele origin: germline.
Comment: This sequence change replaces glutamic acid, which is acidic and polar, with glycine, which is neutral and non-polar, at codon 149 of the PUS3 protein (p.Glu149Gly). This variant is present in population databases (rs752625265, gnomAD 0.07%). This variant has not been reported in the literature in individuals affected with PUS3-related conditions. ClinVar contains an entry for this variant (Variation ID: 2166145). Invitae Evidence Modeling of protein sequence and biophysical properties (such as structural, functional, and spatial information, amino acid conservation, physicochemical variation, residue mobility, and thermodynamic stability) indicates that this missense variant is not expected to disrupt PUS3 protein function with a negative predictive value of 80%. In summary, the available evidence is currently insufficient to determine the role of this variant in disease. Therefore, it has been classified as a Variant of Uncertain Significance.

Ambry Genetics
Classification: Uncertain significance for Inborn genetic diseases. Last evaluated: 2021-07-15. Review status: criteria provided, single submitter. Criteria: Ambry Variant Classification Scheme 2023. Collection method: clinical testing. Allele origin: germline.

NM_031307.4(PUS3):c.446A>G (p.Glu149Gly)

Genes: HYLS1 (HYLS1 centriolar and ciliogenesis associated; plus strand), PUS3 (pseudouridine synthase 3; minus strand). Cytogenetic location: 11q24.2.
Variant type: single nucleotide variant.
Coding change: c.446A>G on transcript NM_031307.4 (MANE Select); coding-DNA position 446, A replaced by G.
Protein change: p.Glu149Gly; replaces glutamic acid 149 with glycine.
Molecular consequence: missense variant. On other transcripts: 5 prime UTR variant (1), intron variant (5).
Genome position (GRCh38, 1-based): chr11:125,895,722, T>C on the plus strand (A>G on the coding strand, the complement: PUS3 is on the minus strand). VCF-style: chr11-125895722-T-C. GRCh37 (hg19) VCF-style: chr11-125765617-T-C.
Other names: c.-179A>G (NM_001271985.2); c.-80-3382T>C (NM_145014.3); c.-25-3622T>C (NM_001134793.2, NM_001377269.1); c.-22-3625T>C (NM_001424364.1, NM_001377270.1); short protein forms E149G.
Identifiers: ClinVar variation 2166145 (VCV002166145.4), dbSNP rs752625265, ClinGen allele CA6350512.